The following is an entry in ClinVar:

ClinVar aggregate classification (germline): Uncertain significance (1 of 4 stars; one submission).

Conditions:
Combined oxidative phosphorylation defect type 17. Also called: Combined oxidative phosphorylation deficiency 17. Identifiers: Orphanet 369913, MedGen C3809526, MONDO:0014190, OMIM 615440.

Allele frequency attached by ClinVar (database versions not stated): gnomAD 0.00001; gnomAD exomes 0.00001; TOPMed 0.00001; ExAC 0.00002.

Submission:

Labcorp Genetics (formerly Invitae), Labcorp
Classification: Uncertain significance for Combined oxidative phosphorylation deficiency 17. Last evaluated: 2019-03-14. Review status: criteria provided, single submitter. Criteria: Invitae Variant Classification Sherloc (09022015). Collection method: clinical testing. Allele origin: germline.
Comment: This sequence change replaces methionine with threonine at codon 778 of the ELAC2 protein (p.Met778Thr). The methionine residue is moderately conserved and there is a moderate physicochemical difference between methionine and threonine. This variant is present in population databases (rs774664159, ExAC 0.02%). This variant has not been reported in the literature in individuals with ELAC2-related conditions. Algorithms developed to predict the effect of missense changes on protein structure and function are either unavailable or do not agree on the potential impact of this missense change (SIFT: "Tolerated"; PolyPhen-2: "Probably Damaging"; Align-GVGD: "Class C0"). In summary, the available evidence is currently insufficient to determine the role of this variant in disease. Therefore, it has been classified as a Variant of Uncertain Significance.

NM_018127.7(ELAC2):c.2333T>C (p.Met778Thr)

Gene: ELAC2 (elaC ribonuclease Z 2; minus strand). Cytogenetic location: 17p12.
Variant type: single nucleotide variant.
Coding change: c.2333T>C on transcript NM_018127.7 (MANE Select); coding-DNA position 2333, T replaced by C.
Protein change: p.Met778Thr; replaces methionine 778 with threonine.
Molecular consequence: missense variant.
Genome position (GRCh38, 1-based): chr17:12,992,966, A>G on the plus strand (T>C on the coding strand, the complement: ELAC2 is on the minus strand). VCF-style: chr17-12992966-A-G. GRCh37 (hg19) VCF-style: chr17-12896283-A-G.
Other names: c.2213T>C, p.Met738Thr (NM_001165962.2); c.2330T>C, p.Met777Thr (NM_173717.2); short protein forms M777T, M738T, M778T.
Identifiers: ClinVar variation 837141 (VCV000837141.1), dbSNP rs774664159, ClinGen allele CA8400830.